The following is an entry in ClinVar:

ClinVar aggregate classification (germline): Uncertain significance (1 of 4 stars; one submission).

Allele frequency attached by ClinVar (database versions not stated): ExAC 0.00001; gnomAD exomes 0.00001.
gnomAD v4.1: 4 of 1,613,972 alleles (0.00025%); highest among the groups gnomAD compares: Admixed American, 0.0067%; no homozygotes.

Submission:

Labcorp Genetics (formerly Invitae), Labcorp
Classification: Uncertain significance. Last evaluated: 2022-02-05. Review status: criteria provided, single submitter. Criteria: Invitae Variant Classification Sherloc (09022015). Collection method: clinical testing. Allele origin: germline.
Comment: In summary, the available evidence is currently insufficient to determine the role of this variant in disease. Therefore, it has been classified as a Variant of Uncertain Significance. Advanced modeling of protein sequence and biophysical properties (such as structural, functional, and spatial information, amino acid conservation, physicochemical variation, residue mobility, and thermodynamic stability) performed at Invitae indicates that this missense variant is not expected to disrupt ROR2 protein function. This variant has not been reported in the literature in individuals affected with ROR2-related conditions. This variant is present in population databases (rs766605383, gnomAD 0.009%). This sequence change replaces glutamic acid, which is acidic and polar, with glutamine, which is neutral and polar, at codon 924 of the ROR2 protein (p.Glu924Gln).

NM_004560.4(ROR2):c.2770G>C (p.Glu924Gln)

Gene: ROR2 (receptor tyrosine kinase like orphan receptor 2; minus strand). Cytogenetic location: 9q22.31.
Variant type: single nucleotide variant.
Coding change: c.2770G>C on transcript NM_004560.4 (MANE Select); coding-DNA position 2770, G replaced by C.
Protein change: p.Glu924Gln; replaces glutamic acid 924 with glutamine.
Molecular consequence: missense variant.
Genome position (GRCh38, 1-based): chr9:91,723,724, C>G on the plus strand (G>C on the coding strand, the complement: ROR2 is on the minus strand). VCF-style: chr9-91723724-C-G. GRCh37 (hg19) VCF-style: chr9-94486006-C-G.
Other names: short protein forms E924Q.
Identifiers: ClinVar variation 1413397 (VCV001413397.8), dbSNP rs766605383, ClinGen allele CA5120314.